The following is an entry in ClinVar:

NM_000426.4(LAMA2):c.7332T>G (p.Asn2444Lys)

Gene: LAMA2 (laminin subunit alpha 2; plus strand). Cytogenetic location: 6q22.33.
Variant type: single nucleotide variant.
Coding change: c.7332T>G on transcript NM_000426.4 (MANE Select); coding-DNA position 7332, T replaced by G.
Protein change: p.Asn2444Lys; replaces asparagine 2444 with lysine.
Molecular consequence: missense variant.
Genome position (GRCh38, 1-based): chr6:129,473,245, T>G. VCF-style: chr6-129473245-T-G. GRCh37 (hg19) VCF-style: chr6-129794390-T-G.
Other names: c.7332T>G, p.Asn2444Lys (NM_001079823.2); short protein forms N2444K.
Identifiers: ClinVar variation 1401798 (VCV001401798.6), dbSNP rs1295850461, ClinGen allele CA365624189.

ClinVar aggregate classification (germline): Uncertain significance (1 of 4 stars; one submission).

Conditions:
LAMA2-related muscular dystrophy (LAMA2-RD). Also called: Laminin alpha 2-related dystrophy. Identifiers: MedGen C5679788, MONDO:0100228.

Allele frequency attached by ClinVar (database versions not stated): gnomAD exomes below 0.00001.
gnomAD v4.1: 2 of 1,603,562 alleles (0.00012%); highest among the groups gnomAD compares: Non-Finnish European, 0.00017%; no homozygotes.

Submission:

Labcorp Genetics (formerly Invitae), Labcorp
Classification: Uncertain significance for LAMA2-related muscular dystrophy. Last evaluated: 2025-03-17. Review status: criteria provided, single submitter. Criteria: Invitae Variant Classification Sherloc (09022015). Collection method: clinical testing. Allele origin: germline.
Comment: This sequence change replaces asparagine, which is neutral and polar, with lysine, which is basic and polar, at codon 2444 of the LAMA2 protein (p.Asn2444Lys). This variant is not present in population databases (gnomAD no frequency). This variant has not been reported in the literature in individuals affected with LAMA2-related conditions. ClinVar contains an entry for this variant (Variation ID: 1401798). Invitae Evidence Modeling of protein sequence and biophysical properties (such as structural, functional, and spatial information, amino acid conservation, physicochemical variation, residue mobility, and thermodynamic stability) indicates that this missense variant is not expected to disrupt LAMA2 protein function with a negative predictive value of 95%. In summary, the available evidence is currently insufficient to determine the role of this variant in disease. Therefore, it has been classified as a Variant of Uncertain Significance.